The following is an entry in ClinVar:

ClinVar aggregate classification (germline): Uncertain significance (1 of 4 stars; one submission).

Allele frequency attached by ClinVar (database versions not stated): gnomAD exomes below 0.00001.
gnomAD v4.1: 5 of 1,613,982 alleles (0.00031%); highest among the groups gnomAD compares: East Asian, 0.0022%; no homozygotes.

Submission:

Labcorp Genetics (formerly Invitae), Labcorp
Classification: Uncertain significance. Last evaluated: 2023-10-05. Review status: criteria provided, single submitter. Criteria: Invitae Variant Classification Sherloc (09022015). Collection method: clinical testing. Allele origin: germline.
Comment: This sequence change replaces arginine, which is basic and polar, with glutamine, which is neutral and polar, at codon 4485 of the HMCN1 protein (p.Arg4485Gln). This variant is present in population databases (rs374051668, gnomAD no frequency). This variant has not been reported in the literature in individuals affected with HMCN1-related conditions. An algorithm developed to predict the effect of missense changes on protein structure and function (PolyPhen-2) suggests that this variant is likely to be disruptive. In summary, the available evidence is currently insufficient to determine the role of this variant in disease. Therefore, it has been classified as a Variant of Uncertain Significance.

NM_031935.3(HMCN1):c.13454G>A (p.Arg4485Gln)

Gene: HMCN1 (hemicentin 1; plus strand). Cytogenetic location: 1q31.1.
Variant type: single nucleotide variant.
Coding change: c.13454G>A on transcript NM_031935.3 (MANE Select); coding-DNA position 13454, G replaced by A.
Protein change: p.Arg4485Gln; replaces arginine 4485 with glutamine.
Molecular consequence: missense variant.
Genome position (GRCh38, 1-based): chr1:186,136,809, G>A. VCF-style: chr1-186136809-G-A. GRCh37 (hg19) VCF-style: chr1-186105941-G-A.
Other names: short protein forms R4485Q.
Identifiers: ClinVar variation 2781096 (VCV002781096.3), dbSNP rs374051668, ClinGen allele CA33467356.